The following is an entry in ClinVar:

ClinVar aggregate classification (germline): Pathogenic (1 of 4 stars; one submission).

Conditions:
Dilated cardiomyopathy 1DD (CMD1DD). Identifiers: Orphanet 154, MedGen C2750995, MONDO:0013168, OMIM 613172.

gnomAD v4.1: 1 of 1,509,042 alleles (0.000066%); highest among the groups gnomAD compares: Non-Finnish European, 0.000088%; no homozygotes.

Submission:

Labcorp Genetics (formerly Invitae), Labcorp
Classification: Pathogenic for Dilated cardiomyopathy 1DD. Last evaluated: 2025-11-21. Review status: criteria provided, single submitter. Criteria: Invitae Variant Classification Sherloc (09022015). Collection method: clinical testing. Allele origin: germline.
Comment: This sequence change creates a premature translational stop signal (p.Gln60*) in the RBM20 gene. It is expected to result in an absent or disrupted protein product. Loss-of-function variants in RBM20 are known to be pathogenic (PMID: 20590677, 22004663, 38288598, 38510713, 40339755). This variant is not present in population databases (gnomAD no frequency). This variant has not been reported in the literature in individuals affected with RBM20-related conditions. ClinVar contains an entry for this variant (Variation ID: 3704100). For these reasons, this variant has been classified as Pathogenic.

Literature cited by the submitters: PubMed 20590677; PubMed 22004663; PubMed 38288598; PubMed 38510713; PubMed 40339755.

NM_001134363.3(RBM20):c.178C>T (p.Gln60Ter)

Gene: RBM20 (RNA binding motif protein 20; plus strand). Cytogenetic location: 10q25.2.
Variant type: single nucleotide variant.
Coding change: c.178C>T on transcript NM_001134363.3 (MANE Select); coding-DNA position 178, C replaced by T.
Protein change: p.Gln60Ter; replaces glutamine 60 with a stop codon.
Molecular consequence: nonsense.
Genome position (GRCh38, 1-based): chr10:110,644,632, C>T. VCF-style: chr10-110644632-C-T. GRCh37 (hg19) VCF-style: chr10-112404390-C-T.
Other names: short protein forms Q60*.
Identifiers: ClinVar variation 3704100 (VCV003704100.2).